The following is an entry in ClinVar:

ClinVar aggregate classification (germline): Uncertain significance (1 of 4 stars; one submission).

Conditions:
Alstrom syndrome (ALMS). Identifiers: Orphanet 64, MedGen C0268425, MONDO:0008763, OMIM 203800.

Allele frequency attached by ClinVar (database versions not stated): TOPMed 0.00001.

Submission:

Labcorp Genetics (formerly Invitae), Labcorp
Classification: Uncertain significance for Alstrom syndrome. Last evaluated: 2022-06-07. Review status: criteria provided, single submitter. Criteria: Invitae Variant Classification Sherloc (09022015). Collection method: clinical testing. Allele origin: germline.
Comment: This sequence change replaces glutamine, which is neutral and polar, with arginine, which is basic and polar, at codon 318 of the ALMS1 protein (p.Gln318Arg). This variant is not present in population databases (gnomAD no frequency). This variant has not been reported in the literature in individuals affected with ALMS1-related conditions. Experimental studies and prediction algorithms are not available or were not evaluated, and the functional significance of this variant is currently unknown. In summary, the available evidence is currently insufficient to determine the role of this variant in disease. Therefore, it has been classified as a Variant of Uncertain Significance.

NM_001378454.1(ALMS1):c.950A>G (p.Gln317Arg)

Gene: ALMS1 (ALMS1 centrosome and basal body associated protein; plus strand). Cytogenetic location: 2p13.1.
Variant type: single nucleotide variant.
Coding change: c.950A>G on transcript NM_001378454.1 (MANE Select); coding-DNA position 950, A replaced by G.
Protein change: p.Gln317Arg; replaces glutamine 317 with arginine.
Molecular consequence: missense variant.
Genome position (GRCh38, 1-based): chr2:73,424,615, A>G. VCF-style: chr2-73424615-A-G. GRCh37 (hg19) VCF-style: chr2-73651743-A-G.
Other names: c.953A>G, p.Gln318Arg (NM_015120.4); short protein forms Q317R, Q318R.
Identifiers: ClinVar variation 2002998 (VCV002002998.1), dbSNP rs977125149, ClinGen allele CA50368202.